The following is an entry in ClinVar:

ClinVar aggregate classification (germline): Pathogenic (1 of 4 stars; one submission).

Submission:

Labcorp Genetics (formerly Invitae), Labcorp
Classification: Pathogenic. Last evaluated: 2021-12-25. Review status: criteria provided, single submitter. Criteria: Invitae Variant Classification Sherloc (09022015). Collection method: clinical testing. Allele origin: germline.
Comment: This sequence change creates a premature translational stop signal (p.Gln99*) in the ASCC1 gene. It is expected to result in an absent or disrupted protein product. Loss-of-function variants in ASCC1 are known to be pathogenic (PMID: 30327447). This variant is not present in population databases (gnomAD no frequency). This variant has not been reported in the literature in individuals affected with ASCC1-related conditions. For these reasons, this variant has been classified as Pathogenic.

Literature cited by the submitters: PubMed 30327447.

NM_001198800.3(ASCC1):c.295C>T (p.Gln99Ter)

Gene: ASCC1 (activating signal cointegrator 1 complex subunit 1; minus strand). Cytogenetic location: 10q22.1.
Variant type: single nucleotide variant.
Coding change: c.295C>T on transcript NM_001198800.3 (MANE Select); coding-DNA position 295, C replaced by T.
Protein change: p.Gln99Ter; replaces glutamine 99 with a stop codon.
Molecular consequence: nonsense. On other transcripts: non-coding transcript variant (1).
Genome position (GRCh38, 1-based): chr10:72,203,442, G>A on the plus strand (C>T on the coding strand, the complement: ASCC1 is on the minus strand). VCF-style: chr10-72203442-G-A. GRCh37 (hg19) VCF-style: chr10-73963200-G-A.
Other names: c.295C>T, p.Gln99Ter (NM_001198798.2, NM_001369087.1, NM_001369088.1 and 18 more transcripts); c.379C>T, p.Gln127Ter (NM_001198799.3); c.361C>T, p.Gln121Ter (NM_001369085.1, NM_001369086.1, NM_001369099.1); c.178C>T, p.Gln60Ter (NM_001369101.1, NM_001369102.1, NM_001369105.1 and 2 more transcripts); short protein forms Q99*, Q121*, Q127*, Q60*.
Identifiers: ClinVar variation 1435658 (VCV001435658.7), dbSNP rs1589623653, ClinGen allele CA377144711.
Genomic context (GRCh38, chr10:72,203,442, plus strand): 5'-ATGCAAAAGTGACTTCAAATGTAACTTATATCTACTGAGTCTCACCAATTTCCCCGTCTT[G>A]TCCAGGTTTAGGAATGCTAATAGAAGTTTTGGTCTCCATTTCTATTTTCTTCCTAGTGTC-3'